The following is an entry in ClinVar:

ClinVar aggregate classification (germline): Pathogenic/Likely pathogenic. Review status: criteria provided, multiple submitters, no conflicts (2 of 4 stars). 2 submissions from 2 submitters: Pathogenic (1); Likely pathogenic (1). Last evaluated 2022-06-17.

Conditions:
ALDH3A2-related disorder. Also called: ALDH3A2-related condition.

Submissions (2):

Labcorp Genetics (formerly Invitae), Labcorp
Classification: Pathogenic. Last evaluated: 2022-06-17. Review status: criteria provided, single submitter. Criteria: Invitae Variant Classification Sherloc (09022015). Collection method: clinical testing. Allele origin: germline.
Comment: This sequence change creates a premature translational stop signal (p.His180Thrfs*22) in the ALDH3A2 gene. It is expected to result in an absent or disrupted protein product. Loss-of-function variants in ALDH3A2 are known to be pathogenic (PMID: 10577908, 10854114). For these reasons, this variant has been classified as Pathogenic. ClinVar contains an entry for this variant (Variation ID: 1068678). This variant has not been reported in the literature in individuals affected with ALDH3A2-related conditions. This variant is present in population databases (rs769354565, gnomAD 0.006%).

Blueprint Genetics
Classification: Likely pathogenic for ALDH3A2-related disorders. Last evaluated: 2022-06-03. Review status: criteria provided, single submitter. Criteria: ACMG Guidelines, 2015. Collection method: clinical testing. Allele origin: germline. Affected: yes. Observed: 1 variant allele.

Literature cited by the submitters: PubMed 10577908 (cited by Labcorp Genetics (formerly Invitae), Labcorp); PubMed 10854114 (cited by Labcorp Genetics (formerly Invitae), Labcorp).

NM_000382.3(ALDH3A2):c.538del (p.His180fs)

Gene: ALDH3A2 (aldehyde dehydrogenase 3 family member A2; plus strand). Cytogenetic location: 17p11.2.
Variant type: Deletion.
Coding change: c.538del on transcript NM_000382.3 (MANE Select); coding-DNA position 538, one base deleted (C; older notation c.538delC).
Protein change: p.His180fs; shifts the reading frame from histidine 180.
Molecular consequence: frameshift variant. On other transcripts: 5 prime UTR variant (1).
Genome position (GRCh38, 1-based): chr17:19,656,432, C deleted; the last of 2 consecutive C bases (chr17:19,656,431-19,656,432); deleting either gives the same sequence. VCF-style (leftmost placement, unchanged base first): chr17-19656430-AC-A. GRCh37 (hg19) VCF-style: chr17-19559743-AC-A.
Other names: c.538del, p.His180fs (NM_001031806.2, NM_001369136.1, NM_001369137.2 and 3 more transcripts); c.-42del (NM_001369148.2); short protein forms H180fs.
Identifiers: ClinVar variation 1068678 (VCV001068678.6), dbSNP rs769354565, ClinGen allele CA8442847.